The following is an entry in ClinVar:

ClinVar aggregate classification (germline): Uncertain significance. Review status: criteria provided, multiple submitters, no conflicts (2 of 4 stars). 2 submissions from 2 submitters: Uncertain significance (2). Last evaluated 2025-03-07.

Allele frequency attached by ClinVar (database versions not stated): TOPMed below 0.00001; ExAC 0.00001; gnomAD 0.00001; gnomAD exomes 0.00001.
gnomAD v4.1: 7 of 1,613,888 alleles (0.00043%); highest among the groups gnomAD compares: East Asian, 0.016%; no homozygotes.

Submissions (2):

Labcorp Genetics (formerly Invitae), Labcorp
Classification: Uncertain significance. Last evaluated: 2025-03-07. Review status: criteria provided, single submitter. Criteria: Invitae Variant Classification Sherloc (09022015). Collection method: clinical testing. Allele origin: germline.
Comment: This sequence change replaces glutamic acid, which is acidic and polar, with aspartic acid, which is acidic and polar, at codon 232 of the BUB1 protein (p.Glu232Asp). This variant is present in population databases (rs776905832, gnomAD 0.04%). This variant has not been reported in the literature in individuals affected with BUB1-related conditions. ClinVar contains an entry for this variant (Variation ID: 2465002). Experimental studies and prediction algorithms are not available or were not evaluated, and the functional significance of this variant is currently unknown. In summary, the available evidence is currently insufficient to determine the role of this variant in disease. Therefore, it has been classified as a Variant of Uncertain Significance.

Ambry Genetics
Classification: Uncertain significance. Last evaluated: 2024-04-08. Review status: criteria provided, single submitter. Criteria: Ambry Variant Classification Scheme 2023. Collection method: clinical testing. Allele origin: germline.

NM_004336.5(BUB1):c.696G>T (p.Glu232Asp)

Gene: BUB1 (BUB1 mitotic checkpoint serine/threonine kinase; minus strand). Cytogenetic location: 2q13.
Variant type: single nucleotide variant.
Coding change: c.696G>T on transcript NM_004336.5 (MANE Select); coding-DNA position 696, G replaced by T.
Protein change: p.Glu232Asp; replaces glutamic acid 232 with aspartic acid.
Molecular consequence: missense variant.
Genome position (GRCh38, 1-based): chr2:110,667,630, C>A on the plus strand (G>T on the coding strand, the complement: BUB1 is on the minus strand). VCF-style: chr2-110667630-C-A. GRCh37 (hg19) VCF-style: chr2-111425207-C-A.
Other names: c.636G>T, p.Glu212Asp (NM_001278616.2); c.696G>T, p.Glu232Asp (NM_001278617.2); short protein forms E232D, E212D.
Identifiers: ClinVar variation 2465002 (VCV002465002.4), dbSNP rs776905832, ClinGen allele CA1828267.